The following is an entry in ClinVar:

NM_001377540.1(SLMAP):c.4C>T (p.Pro2Ser)

Gene: SLMAP (sarcolemma associated protein; plus strand). Cytogenetic location: 3p14.3.
Variant type: single nucleotide variant.
Coding change: c.4C>T on transcript NM_001377540.1 (MANE Select); coding-DNA position 4, C replaced by T.
Protein change: p.Pro2Ser; replaces proline 2 with serine.
Molecular consequence: missense variant. On other transcripts: non-coding transcript variant (1).
Genome position (GRCh38, 1-based): chr3:57,757,655, C>T. VCF-style: chr3-57757655-C-T. GRCh37 (hg19) VCF-style: chr3-57743382-C-T.
Other names: c.4C>T, p.Pro2Ser (NM_001304420.3, NM_001304421.2, NM_001377538.1 and 17 more transcripts); short protein forms P2S.
Identifiers: ClinVar variation 942034 (VCV000942034.8), dbSNP rs973236515, ClinGen allele CA75396343.

ClinVar aggregate classification (germline): Uncertain significance. Review status: criteria provided, multiple submitters, no conflicts (2 of 4 stars). 2 submissions from 2 submitters: Uncertain significance (2). Last evaluated 2024-10-25.

Conditions:
Brugada syndrome. Also called: Sudden unexplained nocturnal death syndrome; Sudden Unexplained Death Syndrome; Sudden Unexplained Nocturnal Death Syndrome (SUNDS); Sudden unexpected nocturnal death syndrome. Identifiers: Orphanet 130, MedGen C1142166, MONDO:0015263.

Allele frequency attached by ClinVar (database versions not stated): gnomAD 0.00002; TOPMed 0.00003.
gnomAD v4.1: 5 of 1,613,928 alleles (0.00031%); highest among the groups gnomAD compares: African/African-American, 0.004%; no homozygotes.

Submissions (2):

Ambry Genetics
Classification: Uncertain significance. Last evaluated: 2024-10-25. Review status: criteria provided, single submitter. Criteria: Ambry Variant Classification Scheme 2023. Collection method: clinical testing. Allele origin: germline.

Labcorp Genetics (formerly Invitae), Labcorp
Classification: Uncertain significance for Brugada syndrome. Last evaluated: 2019-06-14. Review status: criteria provided, single submitter. Criteria: Invitae Variant Classification Sherloc (09022015). Collection method: clinical testing. Allele origin: germline.
Comment: This sequence change replaces proline with serine at codon 2 of the SLMAP protein (p.Pro2Ser). The proline residue is moderately conserved and there is a moderate physicochemical difference between proline and serine. This variant is not present in population databases (ExAC no frequency). This variant has not been reported in the literature in individuals with SLMAP-related conditions. Algorithms developed to predict the effect of missense changes on protein structure and function are either unavailable or do not agree on the potential impact of this missense change (SIFT: "Tolerated"; PolyPhen-2: "Possibly Damaging"; Align-GVGD: "Class C0"). In summary, the available evidence is currently insufficient to determine the role of this variant in disease. Therefore, it has been classified as a Variant of Uncertain Significance.